The following is an entry in ClinVar:

NM_019109.5(ALG1):c.390+6T>G

Gene: ALG1 (ALG1 chitobiosyldiphosphodolichol beta-mannosyltransferase; plus strand). Cytogenetic location: 16p13.3.
Variant type: single nucleotide variant.
Coding change: c.390+6T>G on transcript NM_019109.5 (MANE Select); 6 bases into the intron after coding-DNA position 390, T replaced by G.
Molecular consequence: intron variant.
Genome position (GRCh38, 1-based): chr16:5,073,262, T>G. VCF-style: chr16-5073262-T-G. GRCh37 (hg19) VCF-style: chr16-5123263-T-G.
Other names: c.57+6T>G (NM_001330504.2).
Identifiers: ClinVar variation 1413479 (VCV001413479.3), dbSNP rs2142702237, ClinGen allele CA2573152071.

ClinVar aggregate classification (germline): Uncertain significance (1 of 4 stars; one submission).

Conditions:
ALG1-congenital disorder of glycosylation. Also called: ALG1-CDG; CONGENITAL DISORDER OF GLYCOSYLATION, TYPE Ik; CDG Ik. Identifiers: Orphanet 79327, MedGen C2931005, MONDO:0012052, OMIM 608540.

Allele frequency attached by ClinVar (database versions not stated): gnomAD exomes below 0.00001.
gnomAD v4.1: 1 of 1,613,148 alleles (0.000062%); highest among the groups gnomAD compares: East Asian, 0.0022%; no homozygotes.

Submission:

Labcorp Genetics (formerly Invitae), Labcorp
Classification: Uncertain significance for ALG1-congenital disorder of glycosylation. Last evaluated: 2021-09-06. Review status: criteria provided, single submitter. Criteria: Invitae Variant Classification Sherloc (09022015). Collection method: clinical testing. Allele origin: germline.
Comment: This sequence change falls in intron 3 of the ALG1 gene. It does not directly change the encoded amino acid sequence of the ALG1 protein. It affects a nucleotide within the consensus splice site of the intron. This variant is not present in population databases (ExAC no frequency). This variant has not been reported in the literature in individuals affected with ALG1-related conditions. Variants that disrupt the consensus splice site are a relatively common cause of aberrant splicing (PMID: 17576681, 9536098). Algorithms developed to predict the effect of sequence changes on RNA splicing suggest that this variant is not likely to affect RNA splicing. In summary, the available evidence is currently insufficient to determine the role of this variant in disease. Therefore, it has been classified as a Variant of Uncertain Significance.

Literature cited by the submitters: PubMed 17576681; PubMed 9536098.